The following is an entry in ClinVar:

NM_001379029.1(CERT1):c.6G>A (p.Ser2=)

Genes: CERT1 (ceramide transporter 1; minus strand), POLK (DNA polymerase kappa; plus strand). Cytogenetic location: 5q13.3.
Variant type: single nucleotide variant.
Coding change: c.6G>A on transcript NM_001379029.1 (MANE Select); coding-DNA position 6, G replaced by A.
Protein change: p.Ser2=; no amino-acid change (serine 2 retained).
Molecular consequence: synonymous variant.
Genome position (GRCh38, 1-based): chr5:75,511,202, C>T on the plus strand (G>A on the coding strand, the complement: CERT1 is on the minus strand). VCF-style: chr5-75511202-C-T. GRCh37 (hg19) VCF-style: chr5-74807027-C-T.
Other names: c.390G>A, p.Ser130= (NM_001130105.1); c.6G>A, p.Ser2= (NM_001379002.1, NM_001379003.1, NM_001379004.1 and 2 more transcripts).
Identifiers: ClinVar variation 791532 (VCV000791532.30), dbSNP rs138699646, ClinGen allele CA3309382.

ClinVar aggregate classification (germline): Likely benign. Review status: criteria provided, multiple submitters, no conflicts (2 of 4 stars). 4 submissions from 4 submitters: Likely benign (3). 1 of the submissions does not count toward it. Last evaluated 2024-04-29.

Conditions:
CERT1-related disorder. Also called: CERT1-related condition.

Allele frequency attached by ClinVar (database versions not stated): ESP Exome Variant Server 0.00008; gnomAD 0.00011 and 0.00012; gnomAD exomes 0.00013 and 0.00036; TOPMed 0.00014; 1000 Genomes Project 30x 0.00016; 1000 Genomes Project 0.00020; ExAC 0.00042.
gnomAD v4.1: 214 of 1,613,076 alleles (0.013%); highest among the groups gnomAD compares: Admixed American, 0.095%; 1 homozygote.

Submissions (4):

Blueprint Genetics
Classification: Likely benign. Last evaluated: 2024-04-29. Review status: criteria provided, single submitter. Criteria: ACMG Guidelines, 2015. Collection method: clinical testing. Allele origin: germline.

CeGaT Center for Human Genetics Tuebingen
Classification: Likely benign. Last evaluated: 2024-02-01. Review status: criteria provided, single submitter. Criteria: CeGaT Center For Human Genetics Tuebingen Variant Classification Criteria Version 2. Collection method: clinical testing. Allele origin: germline. Affected: yes. Observed: 2 variant alleles.
Comment: CERT1: BP4, BP7

Labcorp Genetics (formerly Invitae), Labcorp
Classification: Likely benign. Last evaluated: 2019-12-31. Review status: criteria provided, single submitter. Criteria: Invitae Variant Classification Sherloc (09022015). Collection method: clinical testing. Allele origin: germline.

PreventionGenetics, part of Exact Sciences
Classification: Likely benign for CERT1-related condition. Last evaluated: 2019-05-24. Review status: no assertion criteria provided. Collection method: clinical testing. Allele origin: germline. Not counted in ClinVar's aggregate classification.
Comment: This variant is classified as likely benign based on ACMG/AMP sequence variant interpretation guidelines (Richards et al. 2015 PMID: 25741868, with internal and published modifications).